The following is an entry in ClinVar:

NM_001105206.3(LAMA4):c.406del (p.Leu136fs)

Gene: LAMA4 (laminin subunit alpha 4; minus strand). Cytogenetic location: 6q21.
Variant type: Deletion.
Coding change: c.406del on transcript NM_001105206.3 (MANE Select); coding-DNA position 406, one base deleted (C; older notation c.406delC).
Protein change: p.Leu136fs; shifts the reading frame from leucine 136.
Molecular consequence: frameshift variant.
Genome position (GRCh38, 1-based): chr6:112,207,037, G deleted on the plus strand (C on the coding strand, the reverse complement: LAMA4 is on the minus strand); the first of 4 consecutive G bases (chr6:112,207,037-112,207,040); deleting any one gives the same sequence. VCF-style (leftmost placement, unchanged base first): chr6-112207036-AG-A. GRCh37 (hg19) VCF-style: chr6-112528237-AG-A.
Other names: c.406del, p.Leu136fs (NM_001105207.3, NM_002290.5); c.406delC (NM_002290.3); short protein forms L136fs.
Identifiers: ClinVar variation 1712686 (VCV001712686.6), dbSNP rs782372455, ClinGen allele CA3966175.

ClinVar aggregate classification (germline): Uncertain significance. Review status: criteria provided, multiple submitters, no conflicts (2 of 4 stars). 3 submissions from 3 submitters: Uncertain significance (3). Last evaluated 2024-06-14.

Conditions:
Cardiovascular phenotype. Identifiers: MedGen CN230736.
Dilated cardiomyopathy 1JJ (CMD1JJ). Identifiers: Orphanet 154, MedGen C3808935, MONDO:0014095, OMIM 615235.

Submissions (3):

Labcorp Genetics (formerly Invitae), Labcorp
Classification: Uncertain significance for Dilated cardiomyopathy 1JJ. Last evaluated: 2024-06-14. Review status: criteria provided, single submitter. Criteria: Invitae Variant Classification Sherloc (09022015). Collection method: clinical testing. Allele origin: germline.
Comment: This sequence change creates a premature translational stop signal (p.Leu136Cysfs*62) in the LAMA4 gene. It is expected to result in an absent or disrupted protein product. However, the current clinical and genetic evidence is not sufficient to establish whether loss-of-function variants in LAMA4 cause disease. This variant is present in population databases (rs782372455, gnomAD 0.01%). This variant has not been reported in the literature in individuals affected with LAMA4-related conditions. ClinVar contains an entry for this variant (Variation ID: 1712686). In summary, the available evidence is currently insufficient to determine the role of this variant in disease. Therefore, it has been classified as a Variant of Uncertain Significance.

GeneDx
Classification: Uncertain significance. Last evaluated: 2022-10-26. Review status: criteria provided, single submitter. Criteria: GeneDx Variant Classification Process June 2021. Collection method: clinical testing. Allele origin: germline. Affected: yes.
Comment: Has not been previously published as pathogenic or benign to our knowledge; Not observed at significant frequency in large population cohorts (gnomAD); Frameshift variant predicted to result in protein truncation or nonsense mediated decay in a gene or region of a gene for which loss of function is not a well-established mechanism of disease

Ambry Genetics
Classification: Uncertain significance for Cardiovascular phenotype. Last evaluated: 2021-02-05. Review status: criteria provided, single submitter. Criteria: Ambry Variant Classification Scheme 2023. Collection method: clinical testing. Allele origin: germline.
Comment: The c.406delC variant, located in coding exon 3 of the LAMA4 gene, results from a deletion of one nucleotide at nucleotide position 406, causing a translational frameshift with a predicted alternate stop codon (p.L136Cfs*62). This alteration is expected to result in loss of function by premature protein truncation or nonsense-mediated mRNA decay. However, loss of function of LAMA4 has not been clearly established as a mechanism of disease. Since supporting evidence is limited at this time, the clinical significance of this alteration remains unclear.